The following is an entry in ClinVar:

ClinVar aggregate classification (germline): Uncertain significance (1 of 4 stars; one submission).

gnomAD v4.1: 1 of 1,613,018 alleles (0.000062%); highest among the groups gnomAD compares: Non-Finnish European, 0.000085%; no homozygotes.

Submission:

CeGaT Center for Human Genetics Tuebingen
Classification: Uncertain significance. Last evaluated: 2023-10-01. Review status: criteria provided, single submitter. Criteria: CeGaT Center For Human Genetics Tuebingen Variant Classification Criteria Version 2. Collection method: clinical testing. Allele origin: germline. Affected: yes. Observed: 1 variant allele.
Comment: CIC: PM2

NM_001386298.1(CIC):c.5524G>A (p.Val1842Met)

Gene: CIC (capicua transcriptional repressor; plus strand). Cytogenetic location: 19q13.2.
Variant type: single nucleotide variant.
Coding change: c.5524G>A on transcript NM_001386298.1 (MANE Select); coding-DNA position 5524, G replaced by A.
Protein change: p.Val1842Met; replaces valine 1842 with methionine.
Molecular consequence: missense variant.
Genome position (GRCh38, 1-based): chr19:42,291,656, G>A. VCF-style: chr19-42291656-G-A. GRCh37 (hg19) VCF-style: chr19-42795808-G-A.
Other names: c.5524G>A, p.Val1842Met (NM_001304815.2, NM_001379480.1, NM_001379482.1 and 1 more transcripts); c.2797G>A, p.Val933Met (NM_001379484.1, NM_001379485.1, NM_015125.5); short protein forms V1842M, V933M.
Identifiers: ClinVar variation 2650001 (VCV002650001.24), dbSNP rs754780984, ClinGen allele CA406112523.